The following is an entry in ClinVar:

ClinVar aggregate classification (germline): Benign (1 of 4 stars; one submission).

Allele frequency attached by ClinVar (database versions not stated): gnomAD 0.29792 and 0.30090; TOPMed 0.30299; 1000 Genomes Project 0.32089; 1000 Genomes Project 30x 0.32667.
gnomAD v4.1: 45,850 of 151,994 alleles (30%); highest among the groups gnomAD compares: South Asian, 38%; 7,084 homozygotes.

Submission:

GeneDx
Classification: Benign. Last evaluated: 2018-06-14. Review status: criteria provided, single submitter. Criteria: GeneDx Variant Classification (06012015). Collection method: clinical testing. Allele origin: germline. Affected: yes.
Comment: This variant is considered likely benign or benign based on one or more of the following criteria: it is a conservative change, it occurs at a poorly conserved position in the protein, it is predicted to be benign by multiple in silico algorithms, and/or has population frequency not consistent with disease.

NM_033109.5(PNPT1):c.1177-305C>T

Gene: PNPT1 (polyribonucleotide nucleotidyltransferase 1; minus strand). Cytogenetic location: 2p16.1.
Variant type: single nucleotide variant.
Coding change: c.1177-305C>T on transcript NM_033109.5 (MANE Select); 305 bases into the intron before coding-DNA position 1177, C replaced by T.
Molecular consequence: intron variant.
Genome position (GRCh38, 1-based): chr2:55,662,331, G>A on the plus strand (C>T on the coding strand, the complement: PNPT1 is on the minus strand). VCF-style: chr2-55662331-G-A. GRCh37 (hg19) VCF-style: chr2-55889466-G-A.
Identifiers: ClinVar variation 669542 (VCV000669542.1), dbSNP rs13013133, ClinGen allele CA11186680.